The following is an entry in ClinVar:

ClinVar aggregate classification (germline): Uncertain significance (1 of 4 stars; one submission).

Submission:

Labcorp Genetics (formerly Invitae), Labcorp
Classification: Uncertain significance. Last evaluated: 2022-11-15. Review status: criteria provided, single submitter. Criteria: Invitae Variant Classification Sherloc (09022015). Collection method: clinical testing. Allele origin: germline.
Comment: This variant, c.79_99dup, results in the insertion of 7 amino acid(s) of the ZSWIM6 protein (p.Ser27_Gly33dup), but otherwise preserves the integrity of the reading frame. In summary, the available evidence is currently insufficient to determine the role of this variant in disease. Therefore, it has been classified as a Variant of Uncertain Significance. Experimental studies and prediction algorithms are not available or were not evaluated, and the functional significance of this variant is currently unknown. ClinVar contains an entry for this variant (Variation ID: 1512973). This variant has not been reported in the literature in individuals affected with ZSWIM6-related conditions. The frequency data for this variant in the population databases is considered unreliable, as metrics indicate insufficient coverage at this position in the gnomAD database.

NM_020928.2(ZSWIM6):c.79_99dup (p.Ser27_Gly33dup)

Gene: ZSWIM6 (zinc finger SWIM-type containing 6; plus strand). Cytogenetic location: 5q12.1.
Variant type: Duplication.
Coding change: c.79_99dup on transcript NM_020928.2 (MANE Select); coding-DNA positions 79 to 99, 21 bases duplicated (AGCAGCGGCGGCGGCGGCGGC).
Protein change: p.Ser27_Gly33dup.
Molecular consequence: inframe insertion.
Genome position (GRCh38, 1-based): chr5:61,332,351-61,332,371, AGCAGCGGCGGCGGCGGCGGC duplicated; duplicating any 21 consecutive bases within chr5:61,332,348-61,332,371 gives the same sequence; the c. name uses the placement nearest the transcript's 3' end. VCF-style (leftmost placement, unchanged base first): chr5-61332347-G-GGGCAGCAGCGGCGGCGGCGGC. GRCh37 (hg19) VCF-style: chr5-60628174-G-GGGCAGCAGCGGCGGCGGCGGC.
Identifiers: ClinVar variation 1512973 (VCV001512973.8), dbSNP rs1579933395, ClinGen allele CA1076667975.
Genomic context (GRCh38, chr5:61,332,347, plus strand): 5'-ACAGCAGCCTCCTCCCGCGAAACGGCTTTGCTGCCGGCCGGGCGGCGGCGGCGGCGGCGG[G>GGGCAGCAGCGGCGGCGGCGGC]GGCAGCAGCGGCGGCGGCGGCGGCGCGGGTGGCGGCTACAGCTCTGCCTGTCGGCCAGGC-3'